The following is an entry in ClinVar:

ClinVar aggregate classification (germline): Uncertain significance. Review status: criteria provided, multiple submitters, no conflicts (2 of 4 stars). 4 submissions from 4 submitters: Uncertain significance (4). Last evaluated 2023-04-11.

Conditions:
Inborn genetic diseases. Identifiers: MedGen C0950123, MeSH D030342.
Developmental and epileptic encephalopathy, 18 (DEE18). Also called: Early infantile epileptic encephalopathy 18. Identifiers: Orphanet 369894, MedGen C3809624, MONDO:0014201, OMIM 615476.

Allele frequency attached by ClinVar (database versions not stated): gnomAD exomes 0.00001; ExAC 0.00002; TOPMed 0.00009; gnomAD 0.00011.
gnomAD v4.1: 32 of 1,614,082 alleles (0.002%); highest among the groups gnomAD compares: African/African-American, 0.008%; no homozygotes.

Submissions (4):

Genome-Nilou Lab
Classification: Uncertain significance for Developmental and epileptic encephalopathy, 18. Last evaluated: 2023-04-11. Review status: criteria provided, single submitter. Criteria: ACMG Guidelines, 2015. Collection method: clinical testing. Allele origin: germline. Affected: no.

Labcorp Genetics (formerly Invitae), Labcorp
Classification: Uncertain significance. Last evaluated: 2022-10-14. Review status: criteria provided, single submitter. Criteria: Invitae Variant Classification Sherloc (09022015). Collection method: clinical testing. Allele origin: germline.
Comment: This sequence change replaces arginine, which is basic and polar, with tryptophan, which is neutral and slightly polar, at codon 3073 of the SZT2 protein (p.Arg3073Trp). This variant is present in population databases (rs773708821, gnomAD 0.008%). This variant has not been reported in the literature in individuals affected with SZT2-related conditions. ClinVar contains an entry for this variant (Variation ID: 834478). Advanced modeling of protein sequence and biophysical properties (such as structural, functional, and spatial information, amino acid conservation, physicochemical variation, residue mobility, and thermodynamic stability) performed at Invitae indicates that this missense variant is expected to disrupt SZT2 protein function. In summary, the available evidence is currently insufficient to determine the role of this variant in disease. Therefore, it has been classified as a Variant of Uncertain Significance.

New York Genome Center
Classification: Uncertain significance for Developmental and epileptic encephalopathy, 18. Last evaluated: 2021-09-03. Review status: criteria provided, single submitter. Criteria: NYGC Assertion Criteria 2020. Collection method: clinical testing. Allele origin: germline. Observed: 1 variant allele. Study: CSER-NYCKidSeq.

Ambry Genetics
Classification: Uncertain significance for Inborn genetic diseases. Last evaluated: 2018-04-03. Review status: criteria provided, single submitter. Criteria: Ambry Variant Classification Scheme 2023. Collection method: clinical testing. Allele origin: germline.
Comment: The p.R3073W variant (also known as c.9217C>T), located in coding exon 66 of the SZT2 gene, results from a C to T substitution at nucleotide position 9217. The arginine at codon 3073 is replaced by tryptophan, an amino acid with dissimilar properties. This amino acid position is not well conserved in available vertebrate species. In addition, this alteration is predicted to be tolerated by in silico analysis. Since supporting evidence is limited at this time, the clinical significance of this alteration remains unclear.

NM_001365999.1(SZT2):c.9388C>T (p.Arg3130Trp)

Gene: SZT2 (SZT2 subunit of KICSTOR complex; plus strand). Cytogenetic location: 1p34.2.
Variant type: single nucleotide variant.
Coding change: c.9388C>T on transcript NM_001365999.1 (MANE Select); coding-DNA position 9388, C replaced by T.
Protein change: p.Arg3130Trp; replaces arginine 3130 with tryptophan.
Molecular consequence: missense variant.
Genome position (GRCh38, 1-based): chr1:43,447,646, C>T. VCF-style: chr1-43447646-C-T. GRCh37 (hg19) VCF-style: chr1-43913317-C-T.
Other names: c.9217C>T, p.Arg3073Trp (NM_015284.4); short protein forms R3130W, R3073W.
Identifiers: ClinVar variation 834478 (VCV000834478.9), dbSNP rs773708821, ClinGen allele CA810892.
Genomic context (GRCh38, chr1:43,447,646, plus strand): 5'-CTATACAACTACGTGGCTGATCACGCCAGCTCTTACCACATGAAGCCATTGCGAATGGCC[C>T]GGCCAGGGGGCCCAGAACACAACGAGTATGCCCTGGTGTCGGCATGGCACAGGTAAGGCT-3'
Protein context (NP_001352928.1, residues 3120-3140): SYHMKPLRMA[Arg3130Trp]PGGPEHNEYA